The following is an entry in ClinVar:

NM_020911.2(PLXNA4):c.867C>T (p.Ala289=)

Gene: PLXNA4 (plexin A4; minus strand). Cytogenetic location: 7q32.3.
Variant type: single nucleotide variant.
Coding change: c.867C>T on transcript NM_020911.2 (MANE Select); coding-DNA position 867, C replaced by T.
Protein change: p.Ala289=; no amino-acid change (alanine 289 retained).
Molecular consequence: synonymous variant.
Genome position (GRCh38, 1-based): chr7:132,507,827, G>A on the plus strand (C>T on the coding strand, the complement: PLXNA4 is on the minus strand). VCF-style: chr7-132507827-G-A. GRCh37 (hg19) VCF-style: chr7-132192586-G-A.
Other names: c.867C>T, p.Ala289= (NM_001105543.2, NM_001393897.1, NM_181775.4).
Identifiers: ClinVar variation 3032964 (VCV003032964.2), dbSNP rs749169154, ClinGen allele CA4490431.

ClinVar aggregate classification (germline): Likely benign (0 of 4 stars; one submission).

Conditions:
PLXNA4-related disorder. Also called: PLXNA4-related condition.

Allele frequency attached by ClinVar (database versions not stated): ExAC 0.00001; TOPMed 0.00001; gnomAD exomes 0.00004.
gnomAD v4.1: 57 of 1,614,180 alleles (0.0035%); highest among the groups gnomAD compares: Non-Finnish European, 0.0048%; no homozygotes.

Submission:

PreventionGenetics, part of Exact Sciences
Classification: Likely benign for PLXNA4-related condition. Last evaluated: 2022-08-10. Review status: no assertion criteria provided. Collection method: clinical testing. Allele origin: germline.
Comment: This variant is classified as likely benign based on ACMG/AMP sequence variant interpretation guidelines (Richards et al. 2015 PMID: 25741868, with internal and published modifications).